The following is an entry in ClinVar:

NM_001394062.1(MACF1):c.16276G>A (p.Glu5426Lys)

Gene: MACF1 (microtubule actin crosslinking factor 1; plus strand). Cytogenetic location: 1p34.3.
Variant type: single nucleotide variant.
Coding change: c.16276G>A on transcript NM_001394062.1 (MANE Select); coding-DNA position 16276, G replaced by A.
Protein change: p.Glu5426Lys; replaces glutamic acid 5426 with lysine.
Molecular consequence: missense variant.
Genome position (GRCh38, 1-based): chr1:39,424,154, G>A. VCF-style: chr1-39424154-G-A. GRCh37 (hg19) VCF-style: chr1-39889826-G-A.
Other names: c.4672G>A, p.Glu1558Lys (NM_001397473.1); c.10090G>A, p.Glu3364Lys (NM_012090.5); short protein forms E1558K, E3364K, E5426K.
Identifiers: ClinVar variation 4071841 (VCV004071841.1).

ClinVar aggregate classification (germline): Uncertain significance (1 of 4 stars; one submission).

Submission:

GeneDx
Classification: Uncertain significance. Last evaluated: 2025-01-24. Review status: criteria provided, single submitter. Criteria: GeneDx Variant Classification Process June 2021. Collection method: clinical testing. Allele origin: germline. Affected: yes.
Comment: Not observed at significant frequency in large population cohorts (gnomAD); In silico analysis supports that this missense variant has a deleterious effect on protein structure/function; Has not been previously published as pathogenic or benign to our knowledge